The following is an entry in ClinVar:

ClinVar aggregate classification (germline): Uncertain significance. Review status: criteria provided, multiple submitters, no conflicts (2 of 4 stars). 3 submissions from 3 submitters: Uncertain significance (3). Last evaluated 2025-10-02.

Conditions:
Kabuki syndrome 1 (KABUK1). Also called: KMT2D-Related Kabuki Syndrome. Identifiers: Orphanet 2322, MedGen CN030661, MONDO:0007843, OMIM 147920.
Inborn genetic diseases. Identifiers: MedGen C0950123, MeSH D030342.

Allele frequency attached by ClinVar (database versions not stated): TOPMed below 0.00001; gnomAD 0.00001; gnomAD exomes 0.00001.

Submissions (3):

Ambry Genetics
Classification: Uncertain significance for Inborn genetic diseases. Last evaluated: 2025-10-02. Review status: criteria provided, single submitter. Criteria: Ambry Variant Classification Scheme 2023. Collection method: clinical testing. Allele origin: germline.

GeneDx
Classification: Uncertain significance. Last evaluated: 2023-11-06. Review status: criteria provided, single submitter. Criteria: GeneDx Variant Classification Process June 2021. Collection method: clinical testing. Allele origin: germline. Affected: yes.
Comment: Not observed at significant frequency in large population cohorts (gnomAD); In silico analysis supports that this missense variant has a deleterious effect on protein structure/function; Has not been previously published as pathogenic or benign to our knowledge

Victorian Clinical Genetics Services, Murdoch Childrens Research Institute
Classification: Uncertain significance for Kabuki syndrome 1. Last evaluated: 2020-05-21. Review status: criteria provided, single submitter. Criteria: ACMG Guidelines, 2015. Collection method: clinical testing. Allele origin: germline. Inheritance: Autosomal dominant inheritance.
Comment: A heterozygous missense variant was identified, NM_003482.3(KMT2D):c.8699C>T in exon 34 of 54 of the KMT2D gene. This substitution is predicted to create a moderate amino acid change from a proline to a leucine at position 2900 of the protein; NP_003473.3(KMT2D):p.(Pro2900Leu). The proline at this position has moderate conservation (100 vertebrates, UCSC), and is not situated in a known functional domain (NCBI, PDB, UniProt). In silico software predictions of the pathogenicity of this variant are conflicting (Polyphen, SIFT, CADD, Mutation Taster). This variant has not previously been reported in clinical cases. Based on information available at the time of curation, this variant has been classified as a VUS with LOW CLINICAL RELEVANCE.

NM_003482.4(KMT2D):c.8699C>T (p.Pro2900Leu)

Gene: KMT2D (lysine methyltransferase 2D; minus strand). Cytogenetic location: 12q13.12.
Variant type: single nucleotide variant.
Coding change: c.8699C>T on transcript NM_003482.4 (MANE Select); coding-DNA position 8699, C replaced by T.
Protein change: p.Pro2900Leu; replaces proline 2900 with leucine.
Molecular consequence: missense variant.
Genome position (GRCh38, 1-based): chr12:49,038,657, G>A on the plus strand (C>T on the coding strand, the complement: KMT2D is on the minus strand). VCF-style: chr12-49038657-G-A. GRCh37 (hg19) VCF-style: chr12-49432440-G-A.
Other names: short protein forms P2900L.
Identifiers: ClinVar variation 1805751 (VCV001805751.3), dbSNP rs781709449, ClinGen allele CA236645552.